The following is an entry in ClinVar:

NM_006876.3(B4GAT1):c.36C>T (p.Tyr12=)

Gene: B4GAT1 (beta-1,4-glucuronyltransferase 1; minus strand). Cytogenetic location: 11q13.2.
Variant type: single nucleotide variant.
Coding change: c.36C>T on transcript NM_006876.3 (MANE Select); coding-DNA position 36, C replaced by T.
Protein change: p.Tyr12=; no amino-acid change (tyrosine 12 retained).
Molecular consequence: synonymous variant.
Genome position (GRCh38, 1-based): chr11:66,347,510, G>A on the plus strand (C>T on the coding strand, the complement: B4GAT1 is on the minus strand). VCF-style: chr11-66347510-G-A. GRCh37 (hg19) VCF-style: chr11-66114981-G-A.
Other names: c.36C>T (NM_006876.2).
Identifiers: ClinVar variation 1538465 (VCV001538465.9), dbSNP rs571265305, ClinGen allele CA6120614.

ClinVar aggregate classification (germline): Likely benign. Review status: criteria provided, multiple submitters, no conflicts (2 of 4 stars). 2 submissions from 2 submitters: Likely benign (2). Last evaluated 2026-06-22.

Conditions:
B4GAT1-related disorder. Also called: B4GAT1-related condition.
Muscular dystrophy-dystroglycanopathy (congenital with brain and eye anomalies), type A13. Also called: WALKER-WARBURG SYNDROME OR MUSCLE-EYE-BRAIN DISEASE, B3GNT1-RELATED; Muscular dystrophy-dystroglycanopathy (congenital with brain and eye anomalies), type a, 13. Identifiers: Orphanet 899, MedGen C3809042, MONDO:0014120, OMIM 615287.

Allele frequency attached by ClinVar (database versions not stated): gnomAD 0.00005 and 0.00001; gnomAD exomes 0.00010 and 0.00018; TOPMed 0.00002; ExAC 0.00030; 1000 Genomes Project 30x 0.00031; 1000 Genomes Project 0.00040.

Submissions (2):

PreventionGenetics, part of Exact Sciences
Classification: Likely benign for B4GAT1-related condition. Last evaluated: 2026-06-22. Review status: criteria provided, single submitter. Criteria: ACMG Guidelines, 2015. Collection method: clinical testing. Allele origin: germline.
Comment: This variant is classified as likely benign based on ACMG/AMP sequence variant interpretation guidelines (Richards et al. 2015 PMID: 25741868, with internal and published modifications).

Labcorp Genetics (formerly Invitae), Labcorp
Classification: Likely benign for Muscular dystrophy-dystroglycanopathy (congenital with brain and eye anomalies), type A13. Last evaluated: 2025-12-21. Review status: criteria provided, single submitter. Criteria: Invitae Variant Classification Sherloc (09022015). Collection method: clinical testing. Allele origin: germline.